The following is an entry in ClinVar:

ClinVar aggregate classification (germline): Pathogenic. Review status: reviewed by expert panel (3 of 4 stars). 19 submissions from 17 submitters: Pathogenic (1). 18 of the submissions do not count toward it. Last evaluated 2018-08-31.

Conditions:
CFTR-related disorder (CFTR-RD). Also called: CFTR-related disorders; CFTR-related condition. Identifiers: MedGen C5924204, MONDO:7770004.
Congenital bilateral aplasia of vas deferens from CFTR mutation (CBAVD). Identifiers: Orphanet 48, MedGen C0403814, MONDO:0010178, OMIM 277180. Disease mechanism: loss of function.
Cystic fibrosis (CF). Also called: MUCOVISCIDOSIS. Identifiers: Orphanet 586, MedGen C0010674, MONDO:0009061, OMIM 219700. Disease mechanism: loss of function.
Hereditary pancreatitis (PCTT). Also called: Hereditary chronic pancreatitis; PRSS1-Related Hereditary Pancreatitis. Identifiers: Orphanet 676, MedGen C0238339, MONDO:0008185, OMIM 167800.
Bronchiectasis with or without elevated sweat chloride 1 (BESC1). Also called: Cystic Fibrosis-Like Syndrome. Identifiers: Orphanet 60033, MedGen C2749757, MONDO:0008887, OMIM 211400.

Allele frequency attached by ClinVar (database versions not stated): TOPMed 0.00002; ExAC 0.00001; gnomAD 0.00001; gnomAD exomes 0.00001.
gnomAD v4.1: 9 of 1,515,888 alleles (0.00059%); highest among the groups gnomAD compares: East Asian, 0.016%; no homozygotes.

Submissions 1 to 10 of 19:

CFTR2
Classification: Pathogenic for Cystic fibrosis. Last evaluated: 2018-08-31. Review status: reviewed by expert panel. Criteria: Sosnay PR et al. (Nat Genet 2013). Collection method: research. Allele origin: germline. Affected: yes.

Natera, Inc.
Classification: Pathogenic for CFTR-related disorders. Last evaluated: 2025-12-01. Review status: criteria provided, single submitter. Criteria: Natera Variant Classification Schema (03/2026). Collection method: clinical testing. Allele origin: germline. Not counted in ClinVar's aggregate classification.
Comment: The c.2909G>A variant in CFTR is a missense variant predicted to cause substitution of glycine to aspartic acid at amino acid 970. This variant is rare in the general population with a frequency below the threshold expected for the associated phenotype(s). This variant has been observed in one or more individuals affected with the associated recessive disease, as either homozygous or compound heterozygous with a second variant (PMID: 28116329). Given the available evidence, this variant is classified as Pathogenic.

Labcorp Genetics (formerly Invitae), Labcorp
Classification: Pathogenic for Cystic fibrosis. Last evaluated: 2025-05-07. Review status: criteria provided, single submitter. Criteria: Invitae Variant Classification Sherloc (09022015). Collection method: clinical testing. Allele origin: germline. Not counted in ClinVar's aggregate classification.
Comment: This sequence change replaces glycine, which is neutral and non-polar, with aspartic acid, which is acidic and polar, at codon 970 of the CFTR protein (p.Gly970Asp). This variant is present in population databases (rs386134230, gnomAD 0.02%). This missense change has been observed in individual(s) with cystic fibrosis (PMID: 10453741, 22483971, 23302613, 27081564, 28608624). In at least one individual the data is consistent with being in trans (on the opposite chromosome) from a pathogenic variant. ClinVar contains an entry for this variant (Variation ID: 35854). An algorithm developed to predict the effect of missense changes on protein structure and function (PolyPhen-2) suggests that this variant is likely to be disruptive. Experimental studies have shown that this missense change affects CFTR function (PMID: 28608624). Algorithms developed to predict the effect of sequence changes on RNA splicing suggest that this variant may disrupt the consensus splice site. For these reasons, this variant has been classified as Pathogenic.

Ambry Genetics
Classification: Pathogenic for Cystic fibrosis. Last evaluated: 2025-05-06. Review status: criteria provided, single submitter. Criteria: Ambry Variant Classification Scheme 2023. Collection method: clinical testing. Allele origin: germline. Not counted in ClinVar's aggregate classification.
Comment: The p.G970D pathogenic mutation (also known as c.2909G>A) is located in coding exon 18 of the CFTR gene. The glycine at codon 970 is replaced by aspartic acid, an amino acid with similar properties. This change occurs in the first base pair of coding exon 18. This mutation has been reported in multiple individuals diagnosed with cystic fibrosis and congenital bilateral absence of the vas deferens, who were described as compound heterozygotes with additional CFTR variants detected; segregation analysis confirming variants were in trans (on different chromosomes) was documented in some cases (Wagner JA et al. Hum. Genet., 1999 Jun;104:511-5; Wine JJ et al. Pediatrics, 2001 Feb;107:280-6; Li H et al. J. Cyst. Fibros., 2012 Jul;11:316-23; Liu JR et al. Zhonghua Er Ke Za Zhi, 2012 Nov;50:829-33; Xu J et al. Pediatr. Pulmonol., 2017 08;52:1020-1028; Huang T et al. Glob Pediatr Health, 2019 Apr;6:2333794X19833725; Amato F et al. Hum. Mutat., 2019 06;40:742-748). Limited functional studies demonstrated trafficking defects and decreased channel activity (Amato F et al. Hum. Mutat., 2019 06;40:742-748), and another functional analysis of this variant in CFBE cells demonstrated 48% activity compared to wild type (Raraigh KS et al. Am J Hum Genet, 2018 06;102:1062-1077). In addition, this alteration is predicted to be deleterious by in silico analysis. Based on the supporting evidence, this alteration is interpreted as a disease-causing mutation.

Revvity Omics, Revvity
Classification: Pathogenic. Last evaluated: 2025-04-17. Review status: criteria provided, single submitter. Criteria: ACMG Guidelines, 2015. Collection method: clinical testing. Allele origin: germline. Not counted in ClinVar's aggregate classification.

Medical Genetics Center, Maternal and Child Health Hospital of Hubei Province
Classification: Pathogenic for Cystic fibrosis. Last evaluated: 2025-02-07. Review status: criteria provided, single submitter. Criteria: ACMG Guidelines, 2015. Collection method: clinical testing. Allele origin: paternal. Affected: yes. Not counted in ClinVar's aggregate classification.
Comment: PM3_VeryStrong+PM1+PM5+PP3_Moderate+PS3_Supporting+PM2_Supporting

Department of Pediatric Nephrology, Wuhan Children's Hospital
Classification: Pathogenic for Cystic fibrosis. Last evaluated: 2024-10-11. Review status: criteria provided, single submitter. Criteria: ACMG Guidelines, 2015. Collection method: clinical testing. Allele origin: germline. Inheritance: Autosomal recessive inheritance. Affected: yes. Observed: 1 variant allele, 1 homozygote. Not counted in ClinVar's aggregate classification.

ARUP Laboratories, Molecular Genetics and Genomics, ARUP Laboratories
Classification: Pathogenic for Cystic fibrosis. Last evaluated: 2024-07-09. Review status: criteria provided, single submitter. Criteria: ARUP Molecular Germline Variant Investigation Process 2024. Collection method: clinical testing. Allele origin: germline. Not counted in ClinVar's aggregate classification.
Comment: The CFTR c.2909G>A; p.Gly970Asp variant (rs386134230, ClinVar Variation ID: 35854) is reported in the literature in numerous individuals affected with cystic fibrosis (CF) (Goubau 2009, Tian 2016, Wagner 1999, Xu 2017, CFTR2 database). This variant has been observed in affected individuals in trans to other pathogenic variants, and it is primarily associated with pancreatic-sufficient CF (Goubau 2009, Tian 2016, Wagner 1999, CFTR2 database). Additionally, this variant has been observed in individuals with congenital bilateral absence of the vas deferens (CBAVD) (Hou 2023), including those that also carried mild pathogenic variants (Li 2012). This variant is only observed on three alleles in the Genome Aggregation Database (v2.1.1), indicating it is not a common polymorphism. Computational analyses predict that this variant is deleterious (REVEL: 0.985). Consistent with this, the p.Gly970Asp variant protein exhibits 1.7% of wildtype chloride channel activity in CFBE cells (CFTR2 database) and shows decreased efflux activity in HEK cells (Wagner 1999). Additionally, other amino acid substitutions at this codon (p.Gly970Arg, p.Gly970Ser) have been reported in individuals with CF and are considered pathogenic (Ortiz 2017, Sosnay 2012, CFTR2 database). Based on available information, the p.Gly970Asp variant is considered to be pathogenic. References: CFTR2 database: Goubau C et al. Phenotypic characterisation of patients with intermediate sweat chloride values: towards validation of the European diagnostic algorithm for cystic fibrosis. Thorax. 2009 Aug;64(8):683-91. PMID: 19318346. Hou JW et al. Loss-of-function CFTR p.G970D missense mutation might cause congenital bilateral absence of the vas deferens and be associated with impaired spermatogenesis. Asian J Androl. 2023 Jan-Feb;25(1):58-65. PMID: 35665694. Li H et al. Mutations in the cystic fibrosis transmembrane conductance regulator (CFTR) in Chinese patients with congenital bilateral absence of vas deferens. J Cyst Fibros. 2012 Jul;11(4):316-23. PMID: 22483971. Ortiz SC et al. Spectrum of CFTR gene mutations in Ecuadorian cystic fibrosis patients: the second report of the p.H609R mutation. Mol Genet Genomic Med. 2017 Nov;5(6):751-757. PMID: 29178639. Sosnay PR et al. Defining the disease liability of variants in the cystic fibrosis transmembrane conductance regulator gene. Nat Genet. 2013 Oct;45(10):1160-7. PMID: 23974870. Tian X et al. p.G970D is the most frequent CFTR mutation in Chinese patients with cystic fibrosis. Hum Genome Var. 2016 Jan 7;3:15063. PMID: 27081564. Wagner JA et al. Two novel mutations in a cystic fibrosis patient of Chinese origin. Hum Genet. 1999 Jun;104(6):511-5. PMID: 10453741. Xu J et al. Four case reports of Chinese cystic fibrosis patients and literature review. Pediatr Pulmonol. 2017 Aug;52(8):1020-1028. PMID: 28608624

Fulgent Genetics
Classification: Pathogenic for Hereditary pancreatitis; Bronchiectasis with or without elevated sweat chloride 1; Cystic fibrosis; Congenital bilateral aplasia of vas deferens from CFTR mutation. Last evaluated: 2024-05-06. Review status: criteria provided, single submitter. Criteria: ACMG Guidelines, 2015. Collection method: clinical testing. Allele origin: germline. Not counted in ClinVar's aggregate classification.

Baylor Genetics
Classification: Likely pathogenic for Bronchiectasis with or without elevated sweat chloride 1. Last evaluated: 2024-03-29. Review status: criteria provided, single submitter. Criteria: ACMG Guidelines, 2015. Collection method: clinical testing. Allele origin: unknown. Not counted in ClinVar's aggregate classification.

NM_000492.4(CFTR):c.2909G>A (p.Gly970Asp)

Genes: CFTR (CF transmembrane conductance regulator; plus strand), CFTR-AS2 (CFTR antisense RNA 2; minus strand). Cytogenetic location: 7q31.2.
Variant type: single nucleotide variant.
Coding change: c.2909G>A on transcript NM_000492.4 (MANE Select); coding-DNA position 2909, G replaced by A.
Protein change: p.Gly970Asp; replaces glycine 970 with aspartic acid.
Molecular consequence: missense variant.
Genome position (GRCh38, 1-based): chr7:117,606,674, G>A. VCF-style: chr7-117606674-G-A. GRCh37 (hg19) VCF-style: chr7-117246728-G-A.
Other names: short protein forms G970D.
Identifiers: ClinVar variation 35854 (VCV000035854.45), dbSNP rs386134230, ClinGen allele CA326964.